The following is an entry in ClinVar:

ClinVar aggregate classification (germline): Pathogenic (1 of 4 stars; one submission).

Conditions:
Ataxia-telangiectasia syndrome (AT). Also called: Ataxia-telangiectasia, complementation group D; AT, COMPLEMENTATION GROUP C; ATAXIA-TELANGIECTASIA, COMPLEMENTATION GROUP A; ATAXIA-TELANGIECTASIA, FRESNO VARIANT; Ataxia-telangiectasia; Ataxia telangiectasia (A-T). Identifiers: Orphanet 100, MedGen C0004135, MONDO:0008840, OMIM 208900.

Submission:

Labcorp Genetics (formerly Invitae), Labcorp
Classification: Pathogenic for Ataxia-telangiectasia syndrome. Last evaluated: 2019-06-24. Review status: criteria provided, single submitter. Criteria: Invitae Variant Classification Sherloc (09022015). Collection method: clinical testing. Allele origin: germline.
Comment: For these reasons, this variant has been classified as Pathogenic. Loss-of-function variants in ATM are known to be pathogenic (PMID: 23807571, 25614872). This variant has not been reported in the literature in individuals with ATM-related conditions. This variant is not present in population databases (ExAC no frequency). This sequence change creates a premature translational stop signal (p.Asn2088Lysfs*2) in the ATM gene. It is expected to result in an absent or disrupted protein product.

Literature cited by the submitters: PubMed 23807571; PubMed 25614872.

NM_000051.4(ATM):c.6263dup (p.Asn2088fs)

Genes: ATM (ATM serine/threonine kinase; plus strand), C11orf65 (chromosome 11 open reading frame 65; minus strand). Cytogenetic location: 11q22.3.
Variant type: Duplication.
Coding change: c.6263dup on transcript NM_000051.4 (MANE Select); coding-DNA position 6263, one base duplicated (A; older notation c.6263dupA).
Protein change: p.Asn2088fs; shifts the reading frame from asparagine 2088.
Molecular consequence: frameshift variant. On other transcripts: intron variant (2).
Genome position (GRCh38, 1-based): chr11:108,317,437, A duplicated; the last of 4 consecutive A bases (chr11:108,317,434-108,317,437); duplicating any one gives the same sequence. VCF-style (leftmost placement, unchanged base first): chr11-108317433-G-GA. GRCh37 (hg19) VCF-style: chr11-108188160-G-GA.
Other names: c.6263dup, p.Asn2088fs (NM_001351834.2); c.641-8363dup (NM_001330368.2); c.*39-8363dup (NM_001351110.2); short protein forms N2088fs.
Identifiers: ClinVar variation 935723 (VCV000935723.9), dbSNP rs2084782760, ClinGen allele CA1139662244.